The following is an entry in ClinVar:

NM_002532.6(NUP88):c.615G>A (p.Pro205=)

Gene: NUP88 (nucleoporin 88; minus strand). Cytogenetic location: 17p13.2.
Variant type: single nucleotide variant.
Coding change: c.615G>A on transcript NM_002532.6 (MANE Select); coding-DNA position 615, G replaced by A.
Protein change: p.Pro205=; no amino-acid change (proline 205 retained).
Molecular consequence: synonymous variant.
Genome position (GRCh38, 1-based): chr17:5,410,768, C>T on the plus strand (G>A on the coding strand, the complement: NUP88 is on the minus strand). VCF-style: chr17-5410768-C-T. GRCh37 (hg19) VCF-style: chr17-5314088-C-T.
Other names: c.615G>A, p.Pro205= (NM_001320653.2).
Identifiers: ClinVar variation 4872764 (VCV004872764.2).

ClinVar aggregate classification (germline): Likely benign (1 of 4 stars; one submission).

gnomAD v4.1: 209 of 1,611,292 alleles (0.013%); highest among the groups gnomAD compares: African/African-American, 0.039%; no homozygotes.

Submission:

CeGaT Center for Human Genetics Tuebingen
Classification: Likely benign. Last evaluated: 2026-04-01. Review status: criteria provided, single submitter. Criteria: CeGaT Center For Human Genetics Tuebingen Variant Classification Criteria Version 2. Collection method: clinical testing. Allele origin: germline. Affected: yes. Observed: 1 variant allele.
Comment: NUP88: BP4, BP7